The following is an entry in ClinVar:

ClinVar aggregate classification (germline): Uncertain significance (1 of 4 stars; one submission).

Conditions:
NOTCH2-related disorder. Also called: NOTCH2-related condition.

gnomAD v4.1: 1 of 1,614,010 alleles (0.000062%); highest among the groups gnomAD compares: Non-Finnish European, 0.000085%; no homozygotes.

Submission:

PreventionGenetics, part of Exact Sciences
Classification: Uncertain significance for NOTCH2-related condition. Last evaluated: 2025-12-05. Review status: criteria provided, single submitter. Criteria: ACMG Guidelines, 2015. Collection method: clinical testing. Allele origin: germline.
Comment: The NOTCH2 c.5077A>G variant is predicted to result in the amino acid substitution p.Ile1693Val. To our knowledge, this variant has not been reported in the literature or in a large population database (gnomAD), indicating this variant is rare. At this time, the clinical significance of this variant is uncertain due to the absence of conclusive functional and genetic evidence.

NM_024408.4(NOTCH2):c.5077A>G (p.Ile1693Val)

Gene: NOTCH2 (notch receptor 2; minus strand). Cytogenetic location: 1p12.
Variant type: single nucleotide variant.
Coding change: c.5077A>G on transcript NM_024408.4 (MANE Select); coding-DNA position 5077, A replaced by G.
Protein change: p.Ile1693Val; replaces isoleucine 1693 with valine.
Molecular consequence: missense variant.
Genome position (GRCh38, 1-based): chr1:119,922,372, T>C on the plus strand (A>G on the coding strand, the complement: NOTCH2 is on the minus strand). VCF-style: chr1-119922372-T-C. GRCh37 (hg19) VCF-style: chr1-120464995-T-C.
Other names: short protein forms I1693V.
Identifiers: ClinVar variation 4993894 (VCV004993894.1).